The following is an entry in ClinVar:

ClinVar aggregate classification (germline): Uncertain significance (1 of 4 stars; one submission).

Conditions:
Common variable immunodeficiency (CVID). Also called: Common variable hypogamma-globulinemia; Common variable agammaglobulinemia. Identifiers: Orphanet 1572, MedGen C0009447, MONDO:0015517.

Allele frequency attached by ClinVar (database versions not stated): gnomAD exomes below 0.00001; gnomAD 0.00001.
gnomAD v4.1: 6 of 1,397,774 alleles (0.00043%); highest among the groups gnomAD compares: African/African-American, 0.0015%; no homozygotes.

Submission:

Labcorp Genetics (formerly Invitae), Labcorp
Classification: Uncertain significance for Common variable immunodeficiency. Last evaluated: 2023-07-07. Review status: criteria provided, single submitter. Criteria: Invitae Variant Classification Sherloc (09022015). Collection method: clinical testing. Allele origin: germline.
Comment: This sequence change replaces glycine, which is neutral and non-polar, with glutamic acid, which is acidic and polar, at codon 45 of the TNFSF12 protein (p.Gly45Glu). This variant is not present in population databases (gnomAD no frequency). This variant has not been reported in the literature in individuals affected with TNFSF12-related conditions. ClinVar contains an entry for this variant (Variation ID: 1352104). Experimental studies and prediction algorithms are not available or were not evaluated, and the functional significance of this variant is currently unknown. In summary, the available evidence is currently insufficient to determine the role of this variant in disease. Therefore, it has been classified as a Variant of Uncertain Significance.

NM_003809.3(TNFSF12):c.134G>A (p.Gly45Glu)

Genes: TNFSF12 (TNF superfamily member 12; plus strand), TNFSF12-TNFSF13 (TNFSF12-TNFSF13 readthrough; plus strand). Cytogenetic location: 17p13.1.
Variant type: single nucleotide variant.
Coding change: c.134G>A on transcript NM_003809.3 (MANE Select); coding-DNA position 134, G replaced by A.
Protein change: p.Gly45Glu; replaces glycine 45 with glutamic acid.
Molecular consequence: missense variant. On other transcripts: non-coding transcript variant (1).
Genome position (GRCh38, 1-based): chr17:7,549,287, G>A. VCF-style: chr17-7549287-G-A. GRCh37 (hg19) VCF-style: chr17-7452604-G-A.
Other names: c.134G>A, p.Gly45Glu (NM_172089.4); short protein forms G45E.
Identifiers: ClinVar variation 1352104 (VCV001352104.8), dbSNP rs2070971132, ClinGen allele CA397854307.